The following is an entry in ClinVar:

NM_014795.4(ZEB2):c.3563A>G (p.His1188Arg)

Gene: ZEB2 (zinc finger E-box binding homeobox 2; minus strand). Cytogenetic location: 2q22.3.
Variant type: single nucleotide variant.
Coding change: c.3563A>G on transcript NM_014795.4 (MANE Select); coding-DNA position 3563, A replaced by G.
Protein change: p.His1188Arg; replaces histidine 1188 with arginine.
Molecular consequence: missense variant.
Genome position (GRCh38, 1-based): chr2:144,389,533, T>C on the plus strand (A>G on the coding strand, the complement: ZEB2 is on the minus strand). VCF-style: chr2-144389533-T-C. GRCh37 (hg19) VCF-style: chr2-145147100-T-C.
Other names: p.H1188R:CAC>CGC; c.3491A>G, p.His1164Arg (NM_001171653.2); short protein forms H1188R, H1164R.
Identifiers: ClinVar variation 181719 (VCV000181719.1), dbSNP rs730881181, ClinGen allele CA297574.

ClinVar aggregate classification (germline): Likely benign (1 of 4 stars; one submission).

Allele frequency attached by ClinVar (database versions not stated): gnomAD exomes below 0.00001.
gnomAD v4.1: 2 of 1,614,140 alleles (0.00012%); highest among the groups gnomAD compares: Non-Finnish European, 0.00017%; no homozygotes.

Submission:

GeneDx
Classification: Likely benign. Last evaluated: 2013-11-12. Review status: criteria provided, single submitter. Criteria: GeneDx Variant Classification (06012015). Collection method: clinical testing. Allele origin: germline. Affected: yes.
Comment: This variant is considered likely benign or benign based on one or more of the following criteria: it is a conservative change, it occurs at a poorly conserved position in the protein, it is predicted to be benign by multiple in silico algorithms, and/or has population frequency not consistent with disease.